The following is an entry in ClinVar:

NM_000535.7(PMS2):c.251C>G (p.Thr84Ser)

Gene: PMS2 (PMS1 homolog 2, mismatch repair system component; minus strand). Cytogenetic location: 7p22.1.
Variant type: single nucleotide variant.
Coding change: c.251C>G on transcript NM_000535.7 (MANE Select); coding-DNA position 251, C replaced by G.
Protein change: p.Thr84Ser; replaces threonine 84 with serine.
Molecular consequence: missense variant. On other transcripts: 5 prime UTR variant (9), non-coding transcript variant (1), intron variant (2).
Genome position (GRCh38, 1-based): chr7:6,003,792, G>C on the plus strand (C>G on the coding strand, the complement: PMS2 is on the minus strand). VCF-style: chr7-6003792-G-C. GRCh37 (hg19) VCF-style: chr7-6043423-G-C.
Other names: c.-155C>G (NM_001322003.2, NM_001322004.2, NM_001322005.2 and 3 more transcripts); c.251C>G, p.Thr84Ser (NM_001322006.2, NM_001322014.2); c.-634C>G (NM_001322011.2, NM_001322012.2); c.-234C>G (NM_001322015.2); c.35+180C>G (NM_001322008.2, NM_001322007.2); short protein forms T84S.
Identifiers: ClinVar variation 219847 (VCV000219847.33), dbSNP rs864622274, ClinGen allele CA349052.
Genomic context (GRCh38, chr7:6,003,792, plus strand): 5'-AAAGTTTCAACCTGAGTTAGGTCGGCAAACTCTTGAATCTTAGATGTGTGATGTTTCAGA[G>C]CTGAAAGAGAGTGTAAAGTAAGGACTAAGATATCTCAAGTGCTATAACAACAAAATATAC-3'
Protein context (NP_000526.2, residues 74-94): GVEEENFEGL[Thr84Ser]LKHHTSKIQE

ClinVar aggregate classification (germline): Uncertain significance. Review status: criteria provided, multiple submitters, no conflicts (2 of 4 stars). 12 submissions from 12 submitters: Uncertain significance (11). 1 of the submissions does not count toward it. Last evaluated 2026-05-06.

Conditions:
Mismatch repair cancer syndrome 4. Identifiers: MedGen C5436817, MONDO:0030843, OMIM 619101.
Lynch syndrome 4 (LYNCH4). Also called: Colorectal cancer, hereditary nonpolyposis, type 4; Hereditary non-polyposis colorectal cancer, type 4. Identifiers: Orphanet 144, MedGen C1838333, MONDO:0013699, OMIM 614337. Disease mechanism: loss of function.
Hereditary nonpolyposis colorectal neoplasms. Identifiers: MedGen C0009405, MeSH D003123.
Hereditary cancer-predisposing syndrome. Also called: Hereditary Cancer Syndrome; Tumor predisposition; Neoplastic Syndromes, Hereditary; Hereditary neoplastic syndrome. Identifiers: Orphanet 140162, MedGen C0027672, MeSH D009386, MONDO:0015356.
Lynch syndrome. Identifiers: Orphanet 144, MedGen C4552100, MONDO:0005835. Disease mechanism: loss of function.

Allele frequency attached by ClinVar (database versions not stated): gnomAD exomes below 0.00001; gnomAD 0.00003; TOPMed 0.00004.
gnomAD v4.1: 8 of 1,595,192 alleles (0.0005%); highest among the groups gnomAD compares: African/African-American, 0.0067%; no homozygotes.

Submissions (12):

Women's Health and Genetics/Laboratory Corporation of America, LabCorp
Classification: Uncertain significance. Last evaluated: 2026-05-06. Review status: criteria provided, single submitter. Criteria: LabCorp Variant Classification Summary - May 2015. Collection method: clinical testing. Allele origin: germline.
Comment: Variant summary: PMS2 c.251C>G (p.Thr84Ser) results in a conservative amino acid change in the encoded protein sequence. Algorithms developed to predict the effect of missense changes on protein structure and function are either unavailable or do not agree on the potential impact of this missense change. Several computational tools predict a significant impact on normal splicing: Three predict the variant strengthens a 3' acceptor site. Two predict the variant creates a 5' donor site. RNA splicing data from patient(s) samples suggest this variant has no significant impact on splicing (internal data). The variant was absent in 244064 control chromosomes. The available data on variant occurrences in the general population are insufficient to allow any conclusion about variant significance. c.251C>G has been reported in the literature in one individual affected with ALL (Zhang_2015). These report(s) do not provide unequivocal conclusions about association of the variant with Lynch Syndrome. To our knowledge, no experimental evidence demonstrating an impact on protein function has been reported. The following publications have been ascertained in the context of this evaluation (PMID: 26580448). ClinVar contains an entry for this variant (Variation ID: 219847). Based on the evidence outlined above, the variant was classified as uncertain significance.

Labcorp Genetics (formerly Invitae), Labcorp
Classification: Uncertain significance for Hereditary nonpolyposis colorectal neoplasms. Last evaluated: 2025-10-24. Review status: criteria provided, single submitter. Criteria: Invitae Variant Classification Sherloc (09022015). Collection method: clinical testing. Allele origin: germline.
Comment: This sequence change replaces threonine, which is neutral and polar, with serine, which is neutral and polar, at codon 84 of the PMS2 protein (p.Thr84Ser). This variant is present in population databases (no rsID available, gnomAD 0.01%). This variant has not been reported in the literature in individuals affected with PMS2-related conditions. ClinVar contains an entry for this variant (Variation ID: 219847). Invitae Evidence Modeling incorporating data from in vitro experimental studies (internal data) indicates that this missense variant is not expected to disrupt PMS2 function with a negative predictive value of 95%. RNA analysis performed to evaluate the impact of this missense change on mRNA splicing indicates it does not significantly alter splicing (internal data). In summary, the available evidence is currently insufficient to determine the role of this variant in disease. Therefore, it has been classified as a Variant of Uncertain Significance.

Ambry Genetics
Classification: Uncertain significance for Hereditary cancer-predisposing syndrome. Last evaluated: 2025-06-19. Review status: criteria provided, single submitter. Criteria: Ambry Variant Classification Scheme 2023. Collection method: clinical testing. Allele origin: germline.
Comment: The p.T84S variant (also known as c.251C>G) is located in coding exon 4 of the PMS2 gene. The threonine at codon 84 is replaced by serine, an amino acid with similar properties. This change occurs in the first base pair of coding exon 4. RNA studies have demonstrated that this alteration does not result in abnormal splicing in the set of samples tested (Ambry internal data). This variant has been reported in 1/1120 pediatric cancer patients who underwent whole genome sequencing and/or whole exome sequencing; this patient was diagnosed with ALL (Zhang J et al. N Engl J Med, 2015 Dec;373:2336-2346). This amino acid position is not well conserved in available vertebrate species. In addition, the in silico prediction for this alteration is inconclusive. Since supporting evidence is limited at this time, the clinical significance of this alteration remains unclear.

All of Us Research Program, National Institutes of Health
Classification: Uncertain significance for Lynch syndrome. Last evaluated: 2024-07-29. Review status: criteria provided, single submitter. Criteria: ACMG Guidelines, 2015. Collection method: clinical testing. Allele origin: germline. Inheritance: Autosomal dominant inheritance. Observed: 8 variant alleles, 8 heterozygotes.
Comment: This missense variant replaces threonine with serine at codon 84 of the PMS2 protein. Computational prediction suggests that this variant may not impact protein structure and function (internally defined REVEL score threshold <= 0.5, PMID: 27666373). To our knowledge, functional studies have not been reported for this variant. This variant has not been reported in individuals affected with PMS2-related disorders in the literature. This variant has been identified in 1/31404 chromosomes in the general population by the Genome Aggregation Database (gnomAD). The available evidence is insufficient to determine the role of this variant in disease conclusively. Therefore, this variant is classified as a Variant of Uncertain Significance.

This study involves interpretation of variants in research participants for the purpose of population health screening. Participant phenotype was not available at the time of variant classification. Additional details can be found in publication PMID: 35346344, PMCID: PMC8962531

Fulgent Genetics
Classification: Uncertain significance for Lynch syndrome 4; Mismatch repair cancer syndrome 4. Last evaluated: 2024-04-26. Review status: criteria provided, single submitter. Criteria: ACMG Guidelines, 2015. Collection method: clinical testing. Allele origin: germline.

Color Diagnostics, LLC DBA Color Health
Classification: Uncertain significance for Hereditary cancer-predisposing syndrome. Last evaluated: 2024-04-10. Review status: criteria provided, single submitter. Criteria: ACMG Guidelines, 2015. Collection method: clinical testing. Allele origin: germline.
Comment: This missense variant replaces threonine with serine at codon 84 of the PMS2 protein. Computational prediction suggests that this variant may not impact protein structure and function (internally defined REVEL score threshold <= 0.5, PMID: 27666373). To our knowledge, functional studies have not been reported for this variant. This variant has not been reported in individuals affected with PMS2-related disorders in the literature. This variant has been identified in 1/31404 chromosomes in the general population by the Genome Aggregation Database (gnomAD). The available evidence is insufficient to determine the role of this variant in disease conclusively. Therefore, this variant is classified as a Variant of Uncertain Significance.

Quest Diagnostics Nichols Institute San Juan Capistrano
Classification: Uncertain significance. Last evaluated: 2023-12-28. Review status: criteria provided, single submitter. Criteria: Quest Diagnostics criteria. Collection method: clinical testing. Allele origin: unknown.
Comment: The PMS2 c.251C>G (p.Thr84Ser) variant has been reported in the published literature in a pediatric cancer case (PMID: 26580448 (2015)). The frequency of this variant in the general population, 0.000032 (1/31404 chromosomes (Genome Aggregation Database)), is uninformative in the assessment of its pathogenicity. Analysis of this variant using bioinformatics tools for the prediction of the effect of amino acid changes on protein structure and function yielded predictions that this variant is damaging. Based on the available information, we are unable to determine the clinical significance of this variant.

Baylor Genetics
Classification: Uncertain significance for Lynch syndrome 4. Last evaluated: 2023-10-26. Review status: criteria provided, single submitter. Criteria: ACMG Guidelines, 2015. Collection method: clinical testing. Allele origin: unknown.

Myriad Genetics, Inc.
Classification: Uncertain significance for Lynch syndrome 4. Last evaluated: 2023-04-04. Review status: criteria provided, single submitter. Criteria: Myriad Autosomal Dominant, Autosomal Recessive and X-Linked Classification Criteria (2023). Collection method: clinical testing. Allele origin: unknown.
Comment: This variant is classified as a variant of uncertain significance as there is insufficient evidence to determine its impact on protein function and/or cancer risk.

Blueprint Genetics
Classification: Uncertain significance. Last evaluated: 2022-07-21. Review status: criteria provided, single submitter. Criteria: ACMG Guidelines, 2015. Collection method: clinical testing. Allele origin: germline.

GeneDx
Classification: Uncertain significance. Last evaluated: 2022-05-03. Review status: criteria provided, single submitter. Criteria: GeneDx Variant Classification Process June 2021. Collection method: clinical testing. Allele origin: germline. Affected: yes.
Comment: Not observed at significant frequency in large population cohorts (gnomAD); In silico analysis, which includes protein predictors and evolutionary conservation, supports a deleterious effect; Observed in an individual with pediatric-onset acute lymphocytic leukemia (Zhang 2015); This variant is associated with the following publications: (PMID: 26580448, 11574484, 27535533)

Counsyl
Classification: Uncertain significance for Lynch syndrome 4. Last evaluated: 2016-09-13. Review status: no assertion criteria provided. Collection method: clinical testing. Allele origin: unknown. Not counted in ClinVar's aggregate classification.

Literature cited by the submitters: PubMed 26580448 (cited by 4 submitters).